The following is an entry in ClinVar:

NM_033380.3(COL4A5):c.1807G>A (p.Gly603Ser)

Gene: COL4A5 (collagen type IV alpha 5 chain; plus strand). Cytogenetic location: Xq22.3.
Variant type: single nucleotide variant.
Coding change: c.1807G>A on transcript NM_033380.3 (MANE Select); coding-DNA position 1807, G replaced by A.
Protein change: p.Gly603Ser; replaces glycine 603 with serine.
Molecular consequence: missense variant.
Genome position (GRCh38, 1-based): chrX:108,598,729, G>A. VCF-style: chrX-108598729-G-A. GRCh37 (hg19) VCF-style: chrX-107841959-G-A.
Other names: c.1807G>A, p.Gly603Ser (NM_000495.5); short protein forms G603S.
Identifiers: ClinVar variation 807573 (VCV000807573.6), dbSNP rs1603290681, ClinGen allele CA413845658.

ClinVar aggregate classification (germline): Pathogenic. Review status: criteria provided, multiple submitters, no conflicts (2 of 4 stars). 3 submissions from 3 submitters: Pathogenic (2). 1 of the submissions does not count toward it. Last evaluated 2025-09-24.

Conditions:
Alport syndrome. Also called: Hemorrhagic familial nephritis; Hemorrhagic hereditary nephritis; Congenital hereditary hematuria. Identifiers: Orphanet 63, MedGen C1567741, MONDO:0018965.
X-linked Alport syndrome (ATS1). Also called: NEPHROPATHY AND DEAFNESS, X-LINKED; COL4A5-Related Nephropathy. Identifiers: Orphanet 63, Orphanet 88917, MedGen C4746986, MONDO:0010520, OMIM 301050.

Submissions (3):

Genesolutions, Medical Genetics Institutes, Ho Chi Minh City, Vietnam
Classification: Pathogenic for X-linked Alport syndrome. Last evaluated: 2025-09-24. Review status: criteria provided, single submitter. Criteria: ACMG Guidelines, 2015. Collection method: clinical testing. Allele origin: germline. Affected: yes.

Institute of Human Genetics Munich, TUM University Hospital
Classification: Pathogenic for X-linked Alport syndrome. Last evaluated: 2019-01-04. Review status: criteria provided, single submitter. Criteria: Classification criteria August 2017. Collection method: clinical testing. Allele origin: germline. Inheritance: X-linked inheritance. Affected: yes. Observed: 1 heterozygote.

Sydney Genome Diagnostics, Children's Hospital Westmead
Classification: Pathogenic for Alport syndrome. Last evaluated: 2018-08-28. Review status: no assertion criteria provided. Collection method: clinical testing. Allele origin: unknown. Affected: yes. Observed: 1 variant allele, 1 hemizygote. Not counted in ClinVar's aggregate classification.
Comment: To our knowledge this variant has not been previously reported in the literature to be disease causing and it has not been reported in any allele population databases. However, a variant involving the same amino acid change, c.1808G>T (p.Gly603Val), has been previously reported as pathogenic in the Alport COL4A5 database (see. This variant is located in the triple helix domain of collagen alpha-5 chain. It is assumed that this variant is pathogenic as it results in substitution of one of the invariant glycine residues in the triple helical domain.